The following is an entry in ClinVar:

ClinVar aggregate classification (germline): Pathogenic (1 of 4 stars; one submission).

Submission:

ISCA site 4
Classification: Pathogenic. Last evaluated: 2011-08-12. Review status: criteria provided, single submitter. Criteria: Kaminsky et al. (Genet Med. 2011). Collection method: clinical testing. Allele origin: unknown. Affected: yes. Observed: 1 variant allele.
Comment: Copy number variation identified through the course of routine clinical cytogenomic testing in postnatal populations. Clinical assertions have been curated as described in Kaminsky et al. 2011.

GRCh38/hg38 16q21-24.3(chr16:65313395-90081985)x3

Genes: LOHAN2 (lncRNA oncogene in head and neck cancer 2; plus strand), LRRC29 (leucine rich repeat containing 29; minus strand), LRRC36 (leucine rich repeat containing 36; plus strand), MAF (MAF bZIP transcription factor; minus strand), MAFTRR (MAF transcriptional regulator RNA; minus strand) and 1430 more. Cytogenetic location: 16q21-24.3.
Variant type: copy number gain.
Change: copy number 3 (three copies instead of two) of chr16:65,313,395-90,081,985 (24.77 Mb, GRCh38 coordinates, 1-based), cytogenetic band 16q21-24.3.
Identifiers: ClinVar variation 58645 (VCV000058645.2).